The following is an entry in ClinVar:

NM_003410.4(ZFX):c.440T>G (p.Val147Gly)

Gene: ZFX (zinc finger protein X-linked; plus strand). Cytogenetic location: Xp22.11.
Variant type: single nucleotide variant.
Coding change: c.440T>G on transcript NM_003410.4 (MANE Select); coding-DNA position 440, T replaced by G.
Protein change: p.Val147Gly; replaces valine 147 with glycine.
Molecular consequence: missense variant. On other transcripts: intron variant (1).
Genome position (GRCh38, 1-based): chrX:24,179,564, T>G. VCF-style: chrX-24179564-T-G. GRCh37 (hg19) VCF-style: chrX-24197681-T-G.
Other names: c.440T>G, p.Val147Gly (NM_001178084.2, NM_001178085.1, NM_001178095.2); c.557T>G, p.Val186Gly (NM_001330327.2); c.-41-27762T>G (NM_001178086.2); short protein forms V147G, V186G.
Identifiers: ClinVar variation 3769703 (VCV003769703.2).

ClinVar aggregate classification (germline): Uncertain significance (1 of 4 stars; one submission).

gnomAD v4.1: 3 of 1,211,659 alleles (0.00025%); highest among the groups gnomAD compares: South Asian, 0.0035%; no homozygotes.

Submission:

GeneDx
Classification: Uncertain significance. Last evaluated: 2025-08-25. Review status: criteria provided, single submitter. Criteria: GeneDx Variant Classification Process June 2021. Collection method: clinical testing. Allele origin: germline.
Comment: In silico analysis suggests that this missense variant does not alter protein structure/function; Has not been previously published as pathogenic or benign to our knowledge